The following is an entry in ClinVar:

NM_000535.7(PMS2):c.11C>A (p.Ala4Asp)

Gene: PMS2 (PMS1 homolog 2, mismatch repair system component; minus strand). Cytogenetic location: 7p22.1.
Variant type: single nucleotide variant.
Coding change: c.11C>A on transcript NM_000535.7 (MANE Select); coding-DNA position 11, C replaced by A.
Protein change: p.Ala4Asp; replaces alanine 4 with aspartic acid.
Molecular consequence: missense variant. On other transcripts: non-coding transcript variant (1), 5 prime UTR variant (11).
Genome position (GRCh38, 1-based): chr7:6,009,009, G>T on the plus strand (C>A on the coding strand, the complement: PMS2 is on the minus strand). VCF-style: chr7-6009009-G-T. GRCh37 (hg19) VCF-style: chr7-6048640-G-T.
Other names: c.11C>A (NM_000535.5); c.-390C>A (NM_001322003.2, NM_001322013.2); c.-255C>A (NM_001322004.2, NM_001322010.2); c.-585C>A (NM_001322005.2); c.11C>A, p.Ala4Asp (NM_001322006.2, NM_001322014.2); c.-205C>A (NM_001322007.2); c.-65C>A (NM_001322008.2); c.-580C>A (NM_001322009.2); and 3 more; short protein forms A4D.
Identifiers: ClinVar variation 1332303 (VCV001332303.4), dbSNP rs745361721, ClinGen allele CA366745238.
Genomic context (GRCh38, chr7:6,009,009, plus strand): 5'-AAGAGGGCGCGCGAGAGGGGACACCGGAAGACTGCGAGCCCCGCTCACCTCGAGCTCTCA[G>T]CTCGCTCCATGGATGCAACACCCGATCCGCCTCGGGGACTGGGAAAGTTCCCTCCAGGGC-3'
Protein context (NP_000526.2, residues 1-14): MER[Ala4Asp]ESSSTEPAKA

ClinVar aggregate classification (germline): Uncertain significance. Review status: criteria provided, multiple submitters, no conflicts (2 of 4 stars). 2 submissions from 2 submitters: Uncertain significance (2). Last evaluated 2024-07-16.

Conditions:
Hereditary cancer-predisposing syndrome. Also called: Tumor predisposition; Hereditary Cancer Syndrome; Neoplastic Syndromes, Hereditary; Hereditary neoplastic syndrome. Identifiers: Orphanet 140162, MedGen C0027672, MeSH D009386, MONDO:0015356.

Submissions (2):

Color Diagnostics, LLC DBA Color Health
Classification: Uncertain significance for Hereditary cancer-predisposing syndrome. Last evaluated: 2024-07-16. Review status: criteria provided, single submitter. Criteria: ACMG Guidelines, 2015. Collection method: clinical testing. Allele origin: germline.
Comment: This missense variant replaces alanine with aspartic acid at codon 4 of the PMS2 protein. Computational prediction is inconclusive regarding the impact of this variant on protein structure and function (internally defined REVEL score threshold 0.5 < inconclusive < 0.7, PMID: 27666373). To our knowledge, functional studies have not been reported for this variant. This variant has not been reported in individuals affected with PMS2-related disorders in the literature. This variant has not been identified in the general population by the Genome Aggregation Database (gnomAD). The available evidence is insufficient to determine the role of this variant in disease conclusively. Therefore, this variant is classified as a Variant of Uncertain Significance.

Ambry Genetics
Classification: Uncertain significance for Hereditary cancer-predisposing syndrome. Last evaluated: 2023-11-14. Review status: criteria provided, single submitter. Criteria: Ambry Variant Classification Scheme 2023. Collection method: clinical testing. Allele origin: germline.
Comment: The p.A4D variant (also known as c.11C>A), located in coding exon 1 of the PMS2 gene, results from a C to A substitution at nucleotide position 11. The alanine at codon 4 is replaced by aspartic acid, an amino acid with dissimilar properties. This amino acid position is not well conserved in available vertebrate species. In addition, the in silico prediction for this alteration is inconclusive. Since supporting evidence is limited at this time, the clinical significance of this alteration remains unclear.